The following is an entry in ClinVar:

ClinVar aggregate classification (germline): Uncertain significance. Review status: criteria provided, multiple submitters, no conflicts (2 of 4 stars). 2 submissions from 2 submitters: Uncertain significance (2). Last evaluated 2025-08-14.

Allele frequency attached by ClinVar (database versions not stated): ExAC below 0.00001; gnomAD exomes 0.00001; gnomAD 0.00006; TOPMed 0.00006; ESP Exome Variant Server 0.00015.
gnomAD v4.1: 23 of 1,514,704 alleles (0.0015%); highest among the groups gnomAD compares: African/African-American, 0.0043%; no homozygotes.

Submissions (2):

Ambry Genetics
Classification: Uncertain significance. Last evaluated: 2025-08-14. Review status: criteria provided, single submitter. Criteria: Ambry Variant Classification Scheme 2023. Collection method: clinical testing. Allele origin: germline.

GeneDx
Classification: Uncertain significance. Last evaluated: 2017-01-10. Review status: criteria provided, single submitter. Criteria: GeneDx Variant Classification (06012015). Collection method: clinical testing. Allele origin: germline. Affected: yes.
Comment: The Y507C variant in the CENPE gene has not been reported previously as a pathogenic variant, nor as a benign variant, to our knowledge. The Y507C variant was not observed in the homozygous state or at any significant frequency in approximately 6400 individuals ofEuropean and African American ancestry by the NHLBI Exome Sequencing Project. The Y507C variant is a non-conservative amino acid substitution, which is likely to impact secondary protein structure as these residues differ in polarity, charge, size and/or other properties. This substitution occurs at a position that is not conserved. In silico analysis is inconsistent in its predictions as to whether or not the variant is damaging to the protein structure/function. We interpret Y507C as a variant of uncertain significance.

NM_001813.3(CENPE):c.1520A>G (p.Tyr507Cys)

Gene: CENPE (centromere protein E; minus strand). Cytogenetic location: 4q24.
Variant type: single nucleotide variant.
Coding change: c.1520A>G on transcript NM_001813.3 (MANE Select); coding-DNA position 1520, A replaced by G.
Protein change: p.Tyr507Cys; replaces tyrosine 507 with cysteine.
Molecular consequence: missense variant.
Genome position (GRCh38, 1-based): chr4:103,174,863, T>C on the plus strand (A>G on the coding strand, the complement: CENPE is on the minus strand). VCF-style: chr4-103174863-T-C. GRCh37 (hg19) VCF-style: chr4-104096020-T-C.
Other names: c.1520A>G, p.Tyr507Cys (NM_001286734.2); short protein forms Y507C.
Identifiers: ClinVar variation 392191 (VCV000392191.3), dbSNP rs370495322, ClinGen allele CA3030505.
Genomic context (GRCh38, chr4:103,174,863, plus strand): 5'-TTCAATTCCATTTCTTCTTTTTCTGTTCGTAGTTGTTCATAGTCTAATACCAGATTATCA[T>C]AGTCAGCACGAAGTGAGTTCAACTCACTTTCTATATTCTCCTATTATAAACAAGAACAGA-3'
Protein context (NP_001804.2, residues 497-517): ESELNSLRAD[Tyr507Cys]DNLVLDYEQL